The following is an entry in ClinVar:

NM_005477.3(HCN4):c.681C>G (p.Asn227Lys)

Gene: HCN4 (hyperpolarization activated cyclic nucleotide gated potassium channel 4; minus strand). Cytogenetic location: 15q24.1.
Variant type: single nucleotide variant.
Coding change: c.681C>G on transcript NM_005477.3 (MANE Select); coding-DNA position 681, C replaced by G.
Protein change: p.Asn227Lys; replaces asparagine 227 with lysine.
Molecular consequence: missense variant.
Genome position (GRCh38, 1-based): chr15:73,367,590, G>C on the plus strand (C>G on the coding strand, the complement: HCN4 is on the minus strand). VCF-style: chr15-73367590-G-C. GRCh37 (hg19) VCF-style: chr15-73659931-G-C.
Other names: short protein forms N227K.
Identifiers: ClinVar variation 2850631 (VCV002850631.3), dbSNP rs2043134259, ClinGen allele CA393097250.

ClinVar aggregate classification (germline): Uncertain significance (1 of 4 stars; one submission).

Conditions:
Brugada syndrome 8 (BRGDA8). Identifiers: Orphanet 130, MedGen C2751083, MONDO:0013148, OMIM 613123.

Submission:

Labcorp Genetics (formerly Invitae), Labcorp
Classification: Uncertain significance for Brugada syndrome 8. Last evaluated: 2023-03-29. Review status: criteria provided, single submitter. Criteria: Invitae Variant Classification Sherloc (09022015). Collection method: clinical testing. Allele origin: germline.
Comment: In summary, the available evidence is currently insufficient to determine the role of this variant in disease. Therefore, it has been classified as a Variant of Uncertain Significance. Advanced modeling of protein sequence and biophysical properties (such as structural, functional, and spatial information, amino acid conservation, physicochemical variation, residue mobility, and thermodynamic stability) has been performed at Invitae for this missense variant, however the output from this modeling did not meet the statistical confidence thresholds required to predict the impact of this variant on HCN4 protein function. This variant has not been reported in the literature in individuals affected with HCN4-related conditions. This variant is not present in population databases (gnomAD no frequency). This sequence change replaces asparagine, which is neutral and polar, with lysine, which is basic and polar, at codon 227 of the HCN4 protein (p.Asn227Lys).